The following is an entry in ClinVar:

ClinVar aggregate classification (germline): Benign/Likely benign. Review status: criteria provided, multiple submitters, no conflicts (2 of 4 stars). 5 submissions from 5 submitters: Benign (1); Likely benign (4). Last evaluated 2025-03-13.

Conditions:
Classic or attenuated familial adenomatous polyposis. Identifiers: MedGen CN372698, MONDO:0021057.
Familial adenomatous polyposis 1 (FAP1). Also called: FAMILIAL ADENOMATOUS POLYPOSIS 1, ATTENUATED; POLYPOSIS, ADENOMATOUS INTESTINAL. Identifiers: MedGen C2713442, MONDO:0021056, OMIM 175100. Disease mechanism: loss of function.
Hereditary cancer-predisposing syndrome. Also called: Neoplastic Syndromes, Hereditary; Tumor predisposition; Hereditary Cancer Syndrome; Hereditary neoplastic syndrome. Identifiers: Orphanet 140162, MedGen C0027672, MeSH D009386, MONDO:0015356.

gnomAD v4.1: 3 of 1,613,186 alleles (0.00019%); highest among the groups gnomAD compares: Non-Finnish European, 0.00025%; no homozygotes.

Submissions (5):

Labcorp Genetics (formerly Invitae), Labcorp
Classification: Likely benign for Familial adenomatous polyposis 1. Last evaluated: 2025-03-13. Review status: criteria provided, single submitter. Criteria: Invitae Variant Classification Sherloc (09022015). Collection method: clinical testing. Allele origin: germline.

Myriad Genetics, Inc.
Classification: Benign for Familial adenomatous polyposis 1. Last evaluated: 2024-04-04. Review status: criteria provided, single submitter. Criteria: Myriad Autosomal Dominant, Autosomal Recessive and X-Linked Classification Criteria (2023). Collection method: clinical testing. Allele origin: unknown.
Comment: This variant is considered benign. This variant is a silent/synonymous amino acid change and it is not expected to impact splicing.

All of Us Research Program, National Institutes of Health
Classification: Likely benign for Classic or attenuated familial adenomatous polyposis. Last evaluated: 2023-08-15. Review status: criteria provided, single submitter. Criteria: ACMG Guidelines, 2015. Collection method: clinical testing. Allele origin: germline. Inheritance: Autosomal dominant inheritance. Observed: 1 variant allele, 1 heterozygote.
Comment: This study involves interpretation of variants in research participants for the purpose of population health screening. Participant phenotype was not available at the time of variant classification. Additional details can be found in publication PMID: 35346344, PMCID: PMC8962531

Ambry Genetics
Classification: Likely benign for Hereditary cancer-predisposing syndrome. Last evaluated: 2022-06-25. Review status: criteria provided, single submitter. Criteria: Ambry Variant Classification Scheme 2023. Collection method: clinical testing. Allele origin: germline.

Color Diagnostics, LLC DBA Color Health
Classification: Likely benign for Hereditary cancer-predisposing syndrome. Last evaluated: 2019-10-23. Review status: criteria provided, single submitter. Criteria: ACMG Guidelines, 2015. Collection method: clinical testing. Allele origin: germline.

NM_000038.6(APC):c.6384T>A (p.Ala2128=)

Gene: APC (APC regulator of Wnt signaling pathway; plus strand). Cytogenetic location: 5q22.2.
Variant type: single nucleotide variant.
Coding change: c.6384T>A on transcript NM_000038.6 (MANE Select); coding-DNA position 6384, T replaced by A.
Protein change: p.Ala2128=; no amino-acid change (alanine 2128 retained).
Molecular consequence: synonymous variant.
Genome position (GRCh38, 1-based): chr5:112,841,978, T>A. VCF-style: chr5-112841978-T-A. GRCh37 (hg19) VCF-style: chr5-112177675-T-A.
Other names: c.6384T>A, p.Ala2128= (NM_001127510.3, NM_001354895.2); c.6330T>A, p.Ala2110= (NM_001127511.3); c.6438T>A, p.Ala2146= (NM_001354896.2); c.6414T>A, p.Ala2138= (NM_001354897.2); c.6309T>A, p.Ala2103= (NM_001354898.2); c.6300T>A, p.Ala2100= (NM_001354899.2); c.6261T>A, p.Ala2087= (NM_001354900.2); c.6207T>A, p.Ala2069= (NM_001354901.2); and 5 more.
Identifiers: ClinVar variation 925992 (VCV000925992.14), dbSNP rs1580670325, ClinGen allele CA446210397.